The following is an entry in ClinVar:

NM_002471.4(MYH6):c.481G>A (p.Ala161Thr)

Genes: MYH6 (myosin heavy chain 6; minus strand), LOC114827851 (VISTA enhancer hs2155; plus strand). Cytogenetic location: 14q11.2.
Variant type: single nucleotide variant.
Coding change: c.481G>A on transcript NM_002471.4 (MANE Select); coding-DNA position 481, G replaced by A.
Protein change: p.Ala161Thr; replaces alanine 161 with threonine.
Molecular consequence: missense variant.
Genome position (GRCh38, 1-based): chr14:23,405,244, C>T on the plus strand (G>A on the coding strand, the complement: MYH6 is on the minus strand). VCF-style: chr14-23405244-C-T. GRCh37 (hg19) VCF-style: chr14-23874453-C-T.
Other names: short protein forms A161T.
Identifiers: ClinVar variation 423749 (VCV000423749.14), dbSNP rs754736798, ClinGen allele CA7116158.

ClinVar aggregate classification (germline): Uncertain significance. Review status: criteria provided, multiple submitters, no conflicts (2 of 4 stars). 4 submissions from 4 submitters: Uncertain significance (4). Last evaluated 2025-02-17.

Conditions:
Cardiovascular phenotype. Identifiers: MedGen CN230736.
Dilated cardiomyopathy 1EE (CMD1EE). Identifiers: Orphanet 154, MedGen C2750466, MONDO:0013198, OMIM 613252.
Hypertrophic cardiomyopathy 1 (CMH1). Also called: MYH7-Related Familial Hypertrophic Cardiomyopathy; Familial hypertrophic cardiomyopathy 1. Identifiers: MedGen C3495498, MONDO:0008647, OMIM 192600.
Hypertrophic cardiomyopathy 14. Identifiers: MedGen C2750467, MONDO:0013197, OMIM 613251.
Sick sinus syndrome 3, susceptibility to (SSS3). Identifiers: Orphanet 166282, MedGen C3279791, MONDO:0013568, OMIM 614090.
Atrial septal defect 3 (ASD3). Identifiers: Orphanet 1478, MedGen C3279790, MONDO:0013567, OMIM 614089.

Allele frequency attached by ClinVar (database versions not stated): gnomAD exomes 0.00001 and 0.00002; ExAC 0.00002; gnomAD 0.00002.

Submissions (4):

Labcorp Genetics (formerly Invitae), Labcorp
Classification: Uncertain significance for Hypertrophic cardiomyopathy 14. Last evaluated: 2025-02-17. Review status: criteria provided, single submitter. Criteria: Invitae Variant Classification Sherloc (09022015). Collection method: clinical testing. Allele origin: germline.
Comment: This sequence change replaces alanine, which is neutral and non-polar, with threonine, which is neutral and polar, at codon 161 of the MYH6 protein (p.Ala161Thr). This variant is present in population databases (rs754736798, gnomAD 0.006%). This variant has not been reported in the literature in individuals affected with MYH6-related conditions. ClinVar contains an entry for this variant (Variation ID: 423749). Invitae Evidence Modeling of protein sequence and biophysical properties (such as structural, functional, and spatial information, amino acid conservation, physicochemical variation, residue mobility, and thermodynamic stability) indicates that this missense variant is expected to disrupt MYH6 protein function with a positive predictive value of 80%. In summary, the available evidence is currently insufficient to determine the role of this variant in disease. Therefore, it has been classified as a Variant of Uncertain Significance.

Ambry Genetics
Classification: Uncertain significance for Cardiovascular phenotype. Last evaluated: 2024-10-17. Review status: criteria provided, single submitter. Criteria: Ambry Variant Classification Scheme 2023. Collection method: clinical testing. Allele origin: germline.
Comment: The p.A161T variant (also known as c.481G>A), located in coding exon 3 of the MYH6 gene, results from a G to A substitution at nucleotide position 481. The alanine at codon 161 is replaced by threonine, an amino acid with similar properties. This amino acid position is highly conserved in available vertebrate species. In addition, this alteration is predicted to be deleterious by in silico analysis. Based on the available evidence, the clinical significance of this variant remains unclear.

Fulgent Genetics
Classification: Uncertain significance for Hypertrophic cardiomyopathy 1; Hypertrophic cardiomyopathy 14; Dilated cardiomyopathy 1EE; Atrial septal defect 3; Sick sinus syndrome 3, susceptibility to. Last evaluated: 2021-08-19. Review status: criteria provided, single submitter. Criteria: ACMG Guidelines, 2015. Collection method: clinical testing. Allele origin: unknown.

GeneDx
Classification: Uncertain significance. Last evaluated: 2021-05-03. Review status: criteria provided, single submitter. Criteria: GeneDx Variant Classification Process June 2021. Collection method: clinical testing. Allele origin: germline. Affected: yes.
Comment: Has not been previously published as pathogenic or benign to our knowledge; Reported in ClinVar as a variant of uncertain significance (ClinVar Variant ID# 423749; Landrum et al., 2016); In silico analysis supports that this missense variant has a deleterious effect on protein structure/function